The following is an entry in ClinVar:

ClinVar aggregate classification (germline): Pathogenic (1 of 4 stars; one submission).

Submission:

CeGaT Center for Human Genetics Tuebingen
Classification: Pathogenic. Last evaluated: 2025-11-01. Review status: criteria provided, single submitter. Criteria: CeGaT Center For Human Genetics Tuebingen Variant Classification Criteria Version 2. Collection method: clinical testing. Allele origin: germline. Affected: yes. Observed: 5 variant alleles.
Comment: BMPR1A: PVS1, PM2

NM_004329.3(BMPR1A):c.1177G>T (p.Glu393Ter)

Gene: BMPR1A (bone morphogenetic protein receptor type 1A; plus strand). Cytogenetic location: 10q23.2.
Variant type: single nucleotide variant.
Coding change: c.1177G>T on transcript NM_004329.3 (MANE Select); coding-DNA position 1177, G replaced by T.
Protein change: p.Glu393Ter; replaces glutamic acid 393 with a stop codon.
Molecular consequence: nonsense. On other transcripts: non-coding transcript variant (3).
Genome position (GRCh38, 1-based): chr10:86,921,530, G>T. VCF-style: chr10-86921530-G-T. GRCh37 (hg19) VCF-style: chr10-88681287-G-T.
Other names: c.1177G>T, p.Glu393Ter (NM_001406565.1, NM_001406566.1, NM_001406567.1 and 19 more transcripts); c.1252G>T, p.Glu418Ter (NM_001406559.1); c.1225G>T, p.Glu409Ter (NM_001406560.1); c.1093G>T, p.Glu365Ter (NM_001406584.1, NM_001406585.1, NM_001406586.1 and 2 more transcripts); c.1171G>T, p.Glu391Ter (NM_001406583.1); c.835G>T, p.Glu279Ter (NM_001406589.1); short protein forms E279*, E365*, E391*, E393*, E409*, E418*.
Identifiers: ClinVar variation 3389440 (VCV003389440.14).